The following is an entry in ClinVar:

ClinVar aggregate classification (germline): Uncertain significance (1 of 4 stars; one submission).

Submission:

Labcorp Genetics (formerly Invitae), Labcorp
Classification: Uncertain significance. Last evaluated: 2025-07-30. Review status: criteria provided, single submitter. Criteria: Invitae Variant Classification Sherloc (09022015). Collection method: clinical testing. Allele origin: germline.
Comment: This variant, c.2698_2715del, results in the deletion of 6 amino acid(s) of the DSG1 protein (p.Ala900_Leu905del), but otherwise preserves the integrity of the reading frame. This variant is not present in population databases (gnomAD no frequency). This variant has not been reported in the literature in individuals affected with DSG1-related conditions. Experimental studies and prediction algorithms are not available or were not evaluated, and the functional significance of this variant is currently unknown. In summary, the available evidence is currently insufficient to determine the role of this variant in disease. Therefore, it has been classified as a Variant of Uncertain Significance.

NM_001942.4(DSG1):c.2698_2715del (p.Ala900_Leu905del)

Genes: DSG1 (desmoglein 1; plus strand), DSG1-AS1 (DSG1 antisense RNA 1; minus strand). Cytogenetic location: 18q12.1.
Variant type: Deletion.
Coding change: c.2698_2715del on transcript NM_001942.4 (MANE Select); coding-DNA positions 2698 to 2715, 18 bases deleted (GCACCAAGCTCTAGTCTA).
Protein change: p.Ala900_Leu905del.
Genome position (GRCh38, 1-based): chr18:31,354,894-31,354,911, GCACCAAGCTCTAGTCTA deleted; deleting any 18 consecutive bases within chr18:31,354,892-31,354,911 gives the same sequence; the c. name uses the placement nearest the transcript's 3' end. VCF-style (leftmost placement, unchanged base first): chr18-31354891-ATAGCACCAAGCTCTAGTC-A. GRCh37 (hg19) VCF-style: chr18-28934854-ATAGCACCAAGCTCTAGTC-A.
Identifiers: ClinVar variation 4809169 (VCV004809169.1).